The following is an entry in ClinVar:

ClinVar aggregate classification (germline): Likely benign. Review status: criteria provided, multiple submitters, no conflicts (2 of 4 stars). 2 submissions from 2 submitters: Likely benign (2). Last evaluated 2024-09-01.

Allele frequency attached by ClinVar (database versions not stated): gnomAD 0.00001; TOPMed 0.00001.
gnomAD v4.1: 10 of 1,306,922 alleles (0.00077%); highest among the groups gnomAD compares: African/African-American, 0.0015%; no homozygotes.

Submissions (2):

CeGaT Center for Human Genetics Tuebingen
Classification: Likely benign. Last evaluated: 2024-09-01. Review status: criteria provided, single submitter. Criteria: CeGaT Center For Human Genetics Tuebingen Variant Classification Criteria Version 2. Collection method: clinical testing. Allele origin: germline. Affected: yes. Observed: 1 variant allele.
Comment: SLC12A2: BP4, BP7

Labcorp Genetics (formerly Invitae), Labcorp
Classification: Likely benign. Last evaluated: 2022-03-10. Review status: criteria provided, single submitter. Criteria: Invitae Variant Classification Sherloc (09022015). Collection method: clinical testing. Allele origin: germline.

NM_001046.3(SLC12A2):c.159C>T (p.Gly53=)

Genes: SLC12A2 (solute carrier family 12 member 2; plus strand), LOC129994526 (ATAC-STARR-seq lymphoblastoid silent region 16295; plus strand). Cytogenetic location: 5q23.3.
Variant type: single nucleotide variant.
Coding change: c.159C>T on transcript NM_001046.3 (MANE Select); coding-DNA position 159, C replaced by T.
Protein change: p.Gly53=; no amino-acid change (glycine 53 retained).
Molecular consequence: synonymous variant. On other transcripts: non-coding transcript variant (1).
Genome position (GRCh38, 1-based): chr5:128,084,113, C>T. VCF-style: chr5-128084113-C-T. GRCh37 (hg19) VCF-style: chr5-127419805-C-T.
Other names: c.159C>T, p.Gly53= (NM_001256461.2).
Identifiers: ClinVar variation 1568986 (VCV001568986.22), dbSNP rs777947401, ClinGen allele CA3392748.